The following is an entry in ClinVar:

NM_017534.6(MYH2):c.5347G>A (p.Ala1783Thr)

Genes: MYH2 (myosin heavy chain 2; minus strand), MYHAS (myosin heavy chain gene cluster antisense RNA; plus strand). Cytogenetic location: 17p13.1.
Variant type: single nucleotide variant.
Coding change: c.5347G>A on transcript NM_017534.6 (MANE Select); coding-DNA position 5347, G replaced by A.
Protein change: p.Ala1783Thr; replaces alanine 1783 with threonine.
Molecular consequence: missense variant.
Genome position (GRCh38, 1-based): chr17:10,523,621, C>T on the plus strand (G>A on the coding strand, the complement: MYH2 is on the minus strand). VCF-style: chr17-10523621-C-T. GRCh37 (hg19) VCF-style: chr17-10426938-C-T.
Other names: c.5347G>A, p.Ala1783Thr (NM_001100112.2); short protein forms A1783T.
Identifiers: ClinVar variation 657329 (VCV000657329.7), dbSNP rs759668950, ClinGen allele CA8390418.

ClinVar aggregate classification (germline): Uncertain significance. Review status: criteria provided, multiple submitters, no conflicts (2 of 4 stars). 2 submissions from 2 submitters: Uncertain significance (2). Last evaluated 2025-11-23.

Conditions:
Inborn genetic diseases. Identifiers: MedGen C0950123, MeSH D030342.
Myopathy, proximal, and ophthalmoplegia (CMYO6). Also called: INCLUSION BODY MYOPATHY 3, AUTOSOMAL DOMINANT; MYOPATHY WITH CONGENITAL JOINT CONTRACTURES, OPHTHALMOPLEGIA, AND RIMMED VACUOLES; CONGENITAL MYOPATHY 6 WITH OPHTHALMOPLEGIA. Identifiers: Orphanet 363677, Orphanet 79091, MedGen C1854106, MONDO:0011577, OMIM 605637.

Allele frequency attached by ClinVar (database versions not stated): ExAC 0.00002; gnomAD exomes 0.00002; TOPMed 0.00001; gnomAD 0.00001.
gnomAD v4.1: 33 of 1,614,080 alleles (0.002%); highest among the groups gnomAD compares: Admixed American, 0.005%; no homozygotes.

Submissions (2):

Labcorp Genetics (formerly Invitae), Labcorp
Classification: Uncertain significance for Myopathy, proximal, and ophthalmoplegia. Last evaluated: 2025-11-23. Review status: criteria provided, single submitter. Criteria: Invitae Variant Classification Sherloc (09022015). Collection method: clinical testing. Allele origin: germline.
Comment: This sequence change replaces alanine, which is neutral and non-polar, with threonine, which is neutral and polar, at codon 1783 of the MYH2 protein (p.Ala1783Thr). This variant is present in population databases (rs759668950, gnomAD 0.009%). This variant has not been reported in the literature in individuals affected with MYH2-related conditions. ClinVar contains an entry for this variant (Variation ID: 657329). Invitae Evidence Modeling of protein sequence and biophysical properties (such as structural, functional, and spatial information, amino acid conservation, physicochemical variation, residue mobility, and thermodynamic stability) indicates that this missense variant is not expected to disrupt MYH2 protein function with a negative predictive value of 80%. In summary, the available evidence is currently insufficient to determine the role of this variant in disease. Therefore, it has been classified as a Variant of Uncertain Significance.

Ambry Genetics
Classification: Uncertain significance for Inborn genetic diseases. Last evaluated: 2021-07-20. Review status: criteria provided, single submitter. Criteria: Ambry Variant Classification Scheme 2023. Collection method: clinical testing. Allele origin: germline.